The following is an entry in ClinVar:

NM_001242896.3(DEPDC5):c.2826G>A (p.Trp942Ter)

Gene: DEPDC5 (DEP domain containing 5, GATOR1 subcomplex subunit; plus strand). Cytogenetic location: 22q12.3.
Variant type: single nucleotide variant.
Coding change: c.2826G>A on transcript NM_001242896.3 (MANE Select); coding-DNA position 2826, G replaced by A.
Protein change: p.Trp942Ter; replaces tryptophan 942 with a stop codon.
Molecular consequence: nonsense. On other transcripts: non-coding transcript variant (5).
Genome position (GRCh38, 1-based): chr22:31,845,042, G>A. VCF-style: chr22-31845042-G-A. GRCh37 (hg19) VCF-style: chr22-32241028-G-A.
Other names: c.2799G>A, p.Trp933Ter (NM_001136029.4, NM_001369903.1, NM_014662.6); c.2592G>A, p.Trp864Ter (NM_001242897.2, NM_001363854.2, NM_001364319.2); c.2826G>A, p.Trp942Ter (NM_001363852.2, NM_001364318.2, NM_001364320.2); c.2742G>A, p.Trp914Ter (NM_001369901.1, NM_001369902.1); short protein forms W864*, W914*, W933*, W942*.
Identifiers: ClinVar variation 941010 (VCV000941010.7), dbSNP rs2091643419, ClinGen allele CA411290925.

ClinVar aggregate classification (germline): Pathogenic (1 of 4 stars; one submission).

Conditions:
Familial focal epilepsy with variable foci (FPEVF). Identifiers: Orphanet 98820, MedGen C1858477, MONDO:0020310.

Allele frequency attached by ClinVar (database versions not stated): gnomAD exomes below 0.00001.
gnomAD v4.1: 1 of 1,614,130 alleles (0.000062%); highest among the groups gnomAD compares: Non-Finnish European, 0.000085%; no homozygotes.

Submission:

Labcorp Genetics (formerly Invitae), Labcorp
Classification: Pathogenic for Familial focal epilepsy with variable foci. Last evaluated: 2020-03-05. Review status: criteria provided, single submitter. Criteria: Invitae Variant Classification Sherloc (09022015). Collection method: clinical testing. Allele origin: germline.
Comment: For these reasons, this variant has been classified as Pathogenic. Loss-of-function variants in DEPDC5 are known to be pathogenic (PMID: 23542697, 23542701). This variant has not been reported in the literature in individuals with DEPDC5-related conditions. This variant is not present in population databases (ExAC no frequency). This sequence change creates a premature translational stop signal (p.Trp942*) in the DEPDC5 gene. It is expected to result in an absent or disrupted protein product.

Literature cited by the submitters: PubMed 23542697; PubMed 23542701.